The following is an entry in ClinVar:

ClinVar aggregate classification (germline): Pathogenic. Review status: criteria provided, multiple submitters, no conflicts (2 of 4 stars). 3 submissions from 3 submitters: Pathogenic (2). 1 of the submissions does not count toward it. Last evaluated 2024-11-16.

Conditions:
Mitochondrial DNA depletion syndrome 9 (MTDPS9). Also called: SUCLG1-Related Mitochondrial DNA Depletion Syndrome, Encephalomyopathic Form with Methylmalonic Aciduria. Identifiers: Orphanet 17, MedGen C3151476, MONDO:0009504, OMIM 245400.

Allele frequency attached by ClinVar (database versions not stated): gnomAD 0.00003; TOPMed 0.00003; 1000 Genomes Project 0.00020; ExAC 0.00001; gnomAD exomes 0.00001; 1000 Genomes Project 30x 0.00031.
gnomAD v4.1: 10 of 1,613,924 alleles (0.00062%); highest among the groups gnomAD compares: Admixed American, 0.0083%; no homozygotes.

Submissions (3):

Labcorp Genetics (formerly Invitae), Labcorp
Classification: Pathogenic for Mitochondrial DNA depletion syndrome 9. Last evaluated: 2024-11-16. Review status: criteria provided, single submitter. Criteria: Invitae Variant Classification Sherloc (09022015). Collection method: clinical testing. Allele origin: germline.
Comment: This sequence change replaces alanine, which is neutral and non-polar, with glutamic acid, which is acidic and polar, at codon 209 of the SUCLG1 protein (p.Ala209Glu). This variant is present in population databases (rs570210229, gnomAD 0.009%). This missense change has been observed in individuals with mitochondrial DNA depletion syndrome (PMID: 20227526, 22980518, 26475597, 30470562). ClinVar contains an entry for this variant (Variation ID: 992828). Invitae Evidence Modeling of protein sequence and biophysical properties (such as structural, functional, and spatial information, amino acid conservation, physicochemical variation, residue mobility, and thermodynamic stability) has been performed for this missense variant. However, the output from this modeling did not meet the statistical confidence thresholds required to predict the impact of this variant on SUCLG1 protein function. Experimental studies have shown that this missense change affects SUCLG1 function (PMID: 30470562). For these reasons, this variant has been classified as Pathogenic.

Laboratoire de Génétique Moléculaire, CHU Bordeaux
Classification: Pathogenic. Review status: criteria provided, single submitter. Criteria: ACMG Guidelines, 2015. Collection method: clinical testing. Allele origin: germline. Affected: yes.

OMIM
Classification: Pathogenic for MITOCHONDRIAL DNA DEPLETION SYNDROME 9 (ENCEPHALOMYOPATHIC TYPE WITH METHYLMALONIC ACIDURIA). Last evaluated: 2021-06-07. Review status: no assertion criteria provided. Collection method: literature only. Allele origin: germline. Not counted in ClinVar's aggregate classification.

Literature cited by the submitters: PubMed 20227526 (cited by Labcorp Genetics (formerly Invitae), Labcorp); PubMed 22980518 (cited by Labcorp Genetics (formerly Invitae), Labcorp); PubMed 26475597 (cited by Labcorp Genetics (formerly Invitae), Labcorp); PubMed 30470562 (cited by Labcorp Genetics (formerly Invitae), Labcorp and OMIM).

NM_003849.4(SUCLG1):c.626C>A (p.Ala209Glu)

Gene: SUCLG1 (succinate-CoA ligase GDP/ADP-forming subunit alpha; minus strand). Cytogenetic location: 2p11.2.
Variant type: single nucleotide variant.
Coding change: c.626C>A on transcript NM_003849.4 (MANE Select); coding-DNA position 626, C replaced by A.
Protein change: p.Ala209Glu; replaces alanine 209 with glutamic acid.
Molecular consequence: missense variant.
Genome position (GRCh38, 1-based): chr2:84,433,399, G>T on the plus strand (C>A on the coding strand, the complement: SUCLG1 is on the minus strand). VCF-style: chr2-84433399-G-T. GRCh37 (hg19) VCF-style: chr2-84660523-G-T.
Other names: short protein forms A209E.
Identifiers: ClinVar variation 992828 (VCV000992828.11), dbSNP rs570210229, ClinGen allele CA1736237.